The following is an entry in ClinVar:

NM_018325.5(C9orf72):c.620A>G (p.Asn207Ser)

Gene: C9orf72 (C9orf72-SMCR8 complex subunit; minus strand). Cytogenetic location: 9p21.2.
Variant type: single nucleotide variant.
Coding change: c.620A>G on transcript NM_018325.5 (MANE Select); coding-DNA position 620, A replaced by G.
Protein change: p.Asn207Ser; replaces asparagine 207 with serine.
Molecular consequence: missense variant.
Genome position (GRCh38, 1-based): chr9:27,561,630, T>C on the plus strand (A>G on the coding strand, the complement: C9orf72 is on the minus strand). VCF-style: chr9-27561630-T-C. GRCh37 (hg19) VCF-style: chr9-27561628-T-C.
Other names: c.620A>G, p.Asn207Ser (NM_001256054.3, NM_145005.7); short protein forms N207S.
Identifiers: ClinVar variation 366526 (VCV000366526.7), dbSNP rs17769294, ClinGen allele CA5017889.

ClinVar aggregate classification (germline): Benign. Review status: criteria provided, multiple submitters, no conflicts (2 of 4 stars). 4 submissions from 4 submitters: Benign (2). 2 of the submissions do not count toward it. Last evaluated 2018-01-12.

Conditions:
Frontotemporal dementia and/or amyotrophic lateral sclerosis 1 (FTDALS1). Also called: Frontotemporal dementia with motor neuron disease 1; C9orf72 Frontotemporal Dementia and/or Amyotrophic Lateral Sclerosis. Identifiers: Orphanet 275872, MedGen C5779877, MONDO:0007105, OMIM 105550.

Allele frequency attached by ClinVar (database versions not stated): 1000 Genomes Project 0.04912; 1000 Genomes Project 30x 0.04981; TOPMed 0.08626; gnomAD 0.09466 and 0.09705; ESP Exome Variant Server 0.09497; gnomAD exomes 0.09953 and 0.11813; ExAC 0.10427.
gnomAD v4.1: 185,042 of 1,604,402 alleles (12%); highest among the groups gnomAD compares: Non-Finnish European, 13%; 11,930 homozygotes.

Submissions (4):

Illumina Laboratory Services, Illumina
Classification: Benign for Frontotemporal dementia and/or amyotrophic lateral sclerosis 1. Last evaluated: 2018-01-12. Review status: criteria provided, single submitter. Criteria: ICSL Variant Classification Criteria 13 December 2019. Collection method: clinical testing. Allele origin: germline.
Comment: This variant was observed in the ICSL laboratory as part of a predisposition screen in an ostensibly healthy population. It had not been previously curated by ICSL or reported in the Human Gene Mutation Database (HGMD: prior to June 1st, 2018), and was therefore a candidate for classification through an automated scoring system. Utilizing variant allele frequency, disease prevalence and penetrance estimates, and inheritance mode, an automated score was calculated to assess if this variant is too frequent to cause the disease. Based on the score and internal cut-off values, a variant classified as benign is not then subjected to further curation. The score for this variant resulted in a classification of benign for this disease.

Breakthrough Genomics
Classification: Benign. Review status: criteria provided, single submitter. Criteria: ACMG Guidelines, 2015. Collection method: not provided. Allele origin: germline. Inheritance: Autosomal dominant inheritance. Affected: yes.

Diagnostic Laboratory, Department of Genetics, University Medical Center Groningen
Classification: Benign for Frontotemporal dementia and/or amyotrophic lateral sclerosis 1. Review status: no assertion criteria provided. Collection method: clinical testing. Allele origin: germline. Affected: yes. Study: VKGL Data-share Consensus. Not counted in ClinVar's aggregate classification.

Genome Diagnostics Laboratory, Amsterdam University Medical Center
Classification: Benign. Review status: no assertion criteria provided. Collection method: clinical testing. Allele origin: germline. Affected: yes. Study: VKGL Data-share Consensus. Not counted in ClinVar's aggregate classification.